The following is an entry in ClinVar:

NM_001267550.2(TTN):c.45399A>C (p.Glu15133Asp)

Genes: TTN (titin; minus strand), LOC126806427 (BRD4-independent group 4 enhancer GRCh37_chr2:179485777-179486976; plus strand). Cytogenetic location: 2q31.2.
Variant type: single nucleotide variant.
Coding change: c.45399A>C on transcript NM_001267550.2 (MANE Select); coding-DNA position 45399, A replaced by C.
Protein change: p.Glu15133Asp; replaces glutamic acid 15133 with aspartic acid.
Molecular consequence: missense variant.
Genome position (GRCh38, 1-based): chr2:178,621,319, T>G on the plus strand (A>C on the coding strand, the complement: TTN is on the minus strand). VCF-style: chr2-178621319-T-G. GRCh37 (hg19) VCF-style: chr2-179486046-T-G.
Other names: c.40476A>C, p.Glu13492Asp (NM_001256850.1); c.18204A>C, p.Glu6068Asp (NM_003319.4); c.37695A>C, p.Glu12565Asp (NM_133378.4); c.18579A>C, p.Glu6193Asp (NM_133432.3); c.18780A>C, p.Glu6260Asp (NM_133437.4); short protein forms E12565D, E13492D, E15133D, E6068D, E6193D, E6260D.
Identifiers: ClinVar variation 5037793 (VCV005037793.1), dbSNP rs781744339.
Genomic context (GRCh38, chr2:178,621,319, plus strand): 5'-CTTCCACTGGACTGGAAAGCTTTCTTTTGATATAGAGCAGACAAATTCAGCCTTTTCTCC[T>G]TCAAGTATTTCAAGGTTTTGAGGCTTTGAGATAAATTCAGCAGCCAGTTCTGGGAAGAAA-3'
Protein context (NP_001254479.2, residues 15123-15143): ISKPQNLEIL[Glu15133Asp]GEKAEFVCSI

ClinVar aggregate classification (germline): Likely benign (1 of 4 stars; one submission).

gnomAD v4.1: 9 of 1,611,822 alleles (0.00056%); highest among the groups gnomAD compares: Non-Finnish European, 0.00076%; no homozygotes.

Submission:

Molecular Diagnostic Laboratory for Inherited Cardiovascular Disease, Montreal Heart Institute
Classification: Likely benign. Last evaluated: 2026-09-21. Review status: criteria provided, single submitter. Criteria: ACMG Guidelines, 2015. Collection method: clinical testing. Allele origin: germline. Affected: no.
Comment: BP1